The following is an entry in ClinVar:

ClinVar aggregate classification (germline): Uncertain significance (1 of 4 stars; one submission).

Conditions:
Long QT syndrome (LQTS). Identifiers: MedGen C0023976, MeSH D008133, MONDO:0002442. Disease mechanism: loss of function. Inheritance: Various modes of inheritance.

Submission:

Labcorp Genetics (formerly Invitae), Labcorp
Classification: Uncertain significance for Long QT syndrome. Last evaluated: 2025-12-14. Review status: criteria provided, single submitter. Criteria: Invitae Variant Classification Sherloc (09022015). Collection method: clinical testing. Allele origin: germline.
Comment: This sequence change falls in intron 39 of the AKAP9 gene. It does not directly change the encoded amino acid sequence of the AKAP9 protein. It affects a nucleotide within the consensus splice site. This variant is present in population databases (rs747992883, gnomAD 0.008%). This variant has not been reported in the literature in individuals affected with AKAP9-related conditions. Variants that disrupt the consensus splice site are a relatively common cause of aberrant splicing (PMID: 17576681, 9536098). Algorithms developed to predict the effect of sequence changes on RNA splicing suggest that this variant is not likely to affect RNA splicing. In summary, the available evidence is currently insufficient to determine the role of this variant in disease. Therefore, it has been classified as a Variant of Uncertain Significance.

Literature cited by the submitters: PubMed 17576681; PubMed 9536098.

NM_005751.5(AKAP9):c.9578+4T>C

Gene: AKAP9 (A-kinase anchoring protein 9; plus strand). Cytogenetic location: 7q21.2.
Variant type: single nucleotide variant.
Coding change: c.9578+4T>C on transcript NM_005751.5 (MANE Select); 4 bases into the intron after coding-DNA position 9578, T replaced by C.
Molecular consequence: intron variant.
Genome position (GRCh38, 1-based): chr7:92,093,320, T>C. VCF-style: chr7-92093320-T-C. GRCh37 (hg19) VCF-style: chr7-91722634-T-C.
Other names: c.9554+4T>C (NM_147185.3); c.4223+4T>C (NM_001379277.1).
Identifiers: ClinVar variation 4765939 (VCV004765939.1).
Genomic context (GRCh38, chr7:92,093,320, plus strand): 5'-ACTAGAAACAACACTCAAGGCACAGCATAAACACCTAAAAGAATTGGAGGCTTTCAGGTG[T>C]GCCAGGCTTCCTTATTAAAAACATGTAACAAGGAGTGGGAGTAATTTTGTCATAAACACT-3'